The following is an entry in ClinVar:

ClinVar aggregate classification (germline): Pathogenic (1 of 4 stars; one submission).

Conditions:
Haddad syndrome (OHD). Also called: Ondine-Hirschsprung disease. Identifiers: Orphanet 99803, MedGen C1859049, MONDO:0020493.

Submission:

Labcorp Genetics (formerly Invitae), Labcorp
Classification: Pathogenic for Haddad syndrome. Last evaluated: 2022-01-24. Review status: criteria provided, single submitter. Criteria: Invitae Variant Classification Sherloc (09022015). Collection method: clinical testing. Allele origin: germline.
Comment: Experimental studies have shown that this premature translational stop signal affects PHOX2B function (PMID: 15888479, 29098737). Algorithms developed to predict the effect of variants on protein structure and function are not available or were not evaluated for this variant. ClinVar contains an entry for this variant (Variation ID: 658418). This variant is also known as c.614_618delC. This premature translational stop signal has been observed in individual(s) with congenital central hypoventilation syndrome (PMID: 15121777). This variant is not present in population databases (gnomAD no frequency). This sequence change creates a premature translational stop signal (p.Ser207Alafs*102) in the PHOX2B gene. While this is not anticipated to result in nonsense mediated decay, it is expected to disrupt the last 108 amino acid(s) of the PHOX2B protein. This variant disrupts a region of the PHOX2B protein in which other variant(s) (p.Gly234Alafs*78) have been determined to be pathogenic (PMID: 15657873, 17637745, 26375764, 29696799, 30092902). This suggests that this is a clinically significant region of the protein, and that variants that disrupt it are likely to be disease-causing. For these reasons, this variant has been classified as Pathogenic.

Literature cited by the submitters: PubMed 15888479; PubMed 29098737; PubMed 15121777; PubMed 15657873; PubMed 17637745; PubMed 26375764; PubMed 29696799; PubMed 30092902.

NM_003924.4(PHOX2B):c.618del (p.Ser207fs)

Gene: PHOX2B (paired like homeobox 2B; minus strand). Cytogenetic location: 4p13.
Variant type: Deletion.
Coding change: c.618del on transcript NM_003924.4 (MANE Select); coding-DNA position 618, one base deleted (C; older notation c.618delC).
Protein change: p.Ser207fs; shifts the reading frame from serine 207.
Molecular consequence: frameshift variant.
Genome position (GRCh38, 1-based): chr4:41,746,134, G deleted on the plus strand (C on the coding strand, the reverse complement: PHOX2B is on the minus strand); the first of 5 consecutive G bases (chr4:41,746,134-41,746,138); deleting any one gives the same sequence. VCF-style (leftmost placement, unchanged base first): chr4-41746133-TG-T. GRCh37 (hg19) VCF-style: chr4-41748150-TG-T.
Other names: c.618delC (NM_003924.3); short protein forms S207fs.
Identifiers: ClinVar variation 658418 (VCV000658418.10), dbSNP rs587776626, ClinGen allele CA915943037.